The following continues an entry in ClinVar:

NM_145239.3(PRRT2):c.649dup (p.Arg217fs)

ClinVar aggregate classification (germline): Pathogenic/Likely pathogenic. Pathogenic (76); Likely pathogenic (3).

Submissions 36 to 51 of 96:

Unidad de Genómica Garrahan, Hospital de Pediatría Garrahan
Classification: Pathogenic for Severe myoclonic epilepsy in infancy. Last evaluated: 2023-01-01. Review status: criteria provided, single submitter. Criteria: ACMG Guidelines, 2015. Collection method: clinical testing. Allele origin: maternal. Affected: yes. Observed: 1 variant allele.
Comment: Incomplete penetrance and variable expressivity described.

Laboratorio de Genetica e Diagnostico Molecular, Hospital Israelita Albert Einstein
Classification: Pathogenic for Infantile convulsions and choreoathetosis. Last evaluated: 2022-12-30. Review status: criteria provided, single submitter. Criteria: ACMG Guidelines, 2015. Collection method: clinical testing. Allele origin: germline. Affected: yes.
Comment: ACMG classification criteria: PVS1 very strong, PS3 supporting, PM6 moderated, PP1 strong, BS1 strong

Centre of Medical Genetics, University Hospital Muenster
Classification: Pathogenic. Last evaluated: 2022-08-24. Review status: criteria provided, single submitter. Criteria: ACMG Guidelines, 2015. Collection method: clinical testing. Allele origin: unknown. Affected: yes. Observed: 1 variant allele, 1 heterozygote.
Comment: ACMG categories: PVS1,PS4,PP3,PP5,BS1

MGZ Medical Genetics Center
Classification: Pathogenic for Episodic kinesigenic dyskinesia 1. Last evaluated: 2022-07-28. Review status: criteria provided, single submitter. Criteria: ACMG Guidelines, 2015. Collection method: clinical testing. Allele origin: germline. Affected: yes. Observed: 5 variant alleles.
Comment: ACMG criteria applied: PVS1, PS3, PS4, PP1

Greenwood Genetic Center Diagnostic Laboratories, Greenwood Genetic Center
Classification: Pathogenic for PRRT2-related disorder. Last evaluated: 2022-06-15. Review status: criteria provided, single submitter. Criteria: ACMG Guidelines, 2015. Collection method: clinical testing. Allele origin: germline. Affected: yes.
Comment: PVS1, PS4, PP1

Institute of Human Genetics Munich, TUM University Hospital
Classification: Pathogenic for Episodic kinesigenic dyskinesia 1. Last evaluated: 2022-03-07. Review status: criteria provided, single submitter. Criteria: Classification criteria August 2017. Collection method: clinical testing. Allele origin: paternal, maternal. Inheritance: Autosomal dominant inheritance. Affected: yes. Observed: 4 variant alleles. Clinical features observed: Dystonic disorder (HP:0001332), Dyskinesia (HP:0100660), Myoclonus (HP:0001336), Global developmental delay (HP:0001263), Muscle weakness (HP:0001324), Seizure (HP:0001250), Migraine (HP:0002076), Bilateral tonic-clonic seizure (HP:0002069), Patent foramen ovale (HP:0001655), Paroxysmal dyskinesia (HP:0007166).

Laboratory of Medical Genetics, National & Kapodistrian University of Athens
Classification: Pathogenic for Infantile convulsions and choreoathetosis. Last evaluated: 2022-01-21. Review status: criteria provided, single submitter. Criteria: ACMG Guidelines, 2015. Collection method: clinical testing. Allele origin: germline. Affected: yes.
Comment: PVS1, PS3, PP5

Fulgent Genetics
Classification: Pathogenic for Episodic kinesigenic dyskinesia 1; Infantile convulsions and choreoathetosis; Seizures, benign familial infantile, 2. Last evaluated: 2022-01-18. Review status: criteria provided, single submitter. Criteria: ACMG Guidelines, 2015. Collection method: clinical testing. Allele origin: unknown.

Dasa
Classification: Pathogenic for Episodic kinesigenic dyskinesia 1. Last evaluated: 2022-01-05. Review status: criteria provided, single submitter. Criteria: ACMG Guidelines, 2015. Collection method: clinical testing. Allele origin: germline. Affected: yes. Observed: 1 variant allele.
Comment: The c.649dup;p.(Arg217Profs*8) is a null frameshift variant (NMD) in the PRRT2 gene and predicts alteration of the nonsense-mediate decay - NMD is present in a relevantexon to the transcript -PVS1. This sequence change has been observed in affected individual(s) and ClinVar contains an entry for this variant (ClinVar ID: 65758; PMID: 22101681; 22870186; 22877996; 25667652) - PS4 and is allele frequency is greater than expected for disorder - BS1. In summary, the currently available evidence indicates that the variant is pathogenic.

Breakthrough Genomics
Classification: Pathogenic for Infantile convulsions and choreoathetosis. Last evaluated: 2021-11-17. Review status: criteria provided, single submitter. Criteria: ACMG Guidelines, 2015. Collection method: clinical testing. Allele origin: germline. Affected: yes.
Comment: This variant is a recurrent pathogenic variant that accounts for approximately 77-93% of all pathogenic alleles in the PRRT2 gene. The variant has been identified in several individuals with a variety of presentations, most commonly, benign familial infantile epilepsy, infantile convulsions/choreoathetosis, and paroxysmal kinesigenic dyskinesia, segregating with disease in several affected family members [PMID: 22101681, 22845787, 22243967, 23182655, 25522171, 26598493, 29334453]. It has also been reported to have reduced penetrance and variable expression between and within families. Functional studies suggest this variant is subject to rapid nonsense mediated decay [PMID: 25457817].

Institute of Medical Genetics and Applied Genomics, University Hospital Tübingen
Classification: Pathogenic. Last evaluated: 2021-09-15. Review status: criteria provided, single submitter. Criteria: ACMG Guidelines, 2015. Collection method: clinical testing. Allele origin: germline. Inheritance: Autosomal dominant inheritance. Affected: yes.

CENTOGENE GmbH and LLC - Guiding Precision Medicine
Classification: Pathogenic for Infantile convulsions and choreoathetosis. Last evaluated: 2021-08-11. Review status: criteria provided, single submitter. Criteria: ACMG Guidelines, 2015. Collection method: clinical testing. Allele origin: germline. Affected: yes.

Illumina Laboratory Services, Illumina
Classification: Pathogenic for PRRT2-Associated Paroxysmal Movement Disorders. Last evaluated: 2021-03-26. Review status: criteria provided, single submitter. Criteria: ICSLVariantClassificationCriteria RUGD 01 April 2020. Collection method: clinical testing. Allele origin: unknown.
Comment: The PRRT2 c.649dupC (p.Arg217ProfsTer8) variant results in a frameshift and is predicted to result in premature termination or absence of the protein. Across a selection of the available literature, the p.Arg217ProfsTer8 variant has been identified in approximately 78% of all 1444 individuals with published PRRT2 variants (Chen et al. 2011; Heron et al. 2012; Ono et al. 2012; Lee et al. 2012; Becker et al. 2013; Ebrahimi-Fakhari et al. 2015). The phenotype of affected individuals includes paroxysmal kinesigenic dyskinesia, benign familial infantile epilepsy, and infantile convulsions and choreoathetosis. The p.Arg217ProfsTer8 variant was found to segregate with disease in many familial cases with high penetrance, although incomplete penetrance in several families has been described (Chen et al. 2011; Heron et al. 2012; Ono et al. 2012; Becker et al. 2013). The p.Arg217ProfsTer8 variant is reported at a frequency of 0.0001727 in the African/African-American population of the Genome Aggregation Database. PRRT2 is a transmembrane protein, and the p.Arg217ProfsTer8 variant is expected to disrupt the transmembrane domain (Chen et al. 2011). Functional studies demonstrated absence of this truncated protein in transfected cell lines and cultured hippocampal neurons (Lee et al. 2012). Co-transfection of p.Arg217ProfsTer8 with wild-type PRRT2 demonstrated normal expression of wild-type PRRT2 and low/undetectable expression of truncated PRRT2, suggesting haploinsufficiency as the disease mechanism (Lee et al. 2012). Based on the collective evidence and application of ACMG criteria, the variant is classified as pathogenic for PRRT2-associated paroxysmal movement disorders.

New York Genome Center
Classification: Pathogenic for Seizures, benign familial infantile, 2. Last evaluated: 2020-06-05. Review status: criteria provided, single submitter. Criteria: NYGC Assertion Criteria 2020. Collection method: clinical testing. Allele origin: inherited. Observed: 1 heterozygote. Study: CSER-NYCKidSeq.
Comment: The inherited c.649dup (p.Arg217ProfsTer8) variant identified in the PRRT2 gene is the duplication of a single nucleotide, resulting in the frameshift and premature termination of the protein approximately 8 amino acids downstream (coding exon 2/4). This variant is found in 21 heterozygous individuals in gnomAD(v3.0), with an allele frequency of 1.49e-4. This variant is reported in ClinVar as Pathogenic (VarID:65758), and is the most common pathogenic PRRT2 variant identified in affected individuals [PMID:29334453; PMID:26598493; PMID:24370076]. Functional studies suggest this variant is subject to rapid nonsense mediated decay [PMID:25457817]. Given this, the inherited c.649dup (p.Arg217ProfsTer8) variant identified in the PRRT2 gene is reported as Pathogenic.

Centre for Mendelian Genomics, University Medical Centre Ljubljana
Classification: Pathogenic for Infantile convulsions and choreoathetosis. Last evaluated: 2020-03-23. Review status: criteria provided, single submitter. Criteria: ACMG Guidelines, 2015. Collection method: clinical testing. Allele origin: unknown. Affected: yes.
Comment: This variant was classified as: Pathogenic. The following ACMG criteria were applied in classifying this variant: PVS1,PS4,PM1,PP5.

GeneDx
Classification: Pathogenic. Last evaluated: 2020-03-23. Review status: criteria provided, single submitter. Criteria: GeneDx Variant Classification Process June 2021. Collection method: clinical testing. Allele origin: germline. Affected: yes.
Comment: Published functional studies indicate this variant results in decreased expression and altered cellular localization of the protein (Wu et al., 2014); Frameshift variant predicted to result in protein truncation or nonsense mediated decay in a gene for which loss-of-function is a known mechanism of disease; Recurrent pathogenic variant that accounts for approximately 77-93% of all pathogenic alleles in the PRRT2 gene; This variant is associated with the following publications: (PMID: 25522171, 23180180, 25502464, 23535490, 22877996, 22782515, 24661410, 22744660, 24370076, 27959697, 30182498, 30034362, 29250726, 31785815, 31901402, 31302675, 29655203, 26876767, 22101681, 25595153, 22243967, 23768507, 24074546, 22845787, 23771590, 23182655, 23126439, 24609974, 23532549, 22870186, 22623405, 27920401, 25915028, 27123484, 27172900, 28553402, 28097321, 28566192, 28525812, 29215089, 29778030, 29852413, 28018471, 29285950, 29302074, 30501978, 29132464, 30392205, 30125676, 30847922, 30814447, 31780880, 31737037, 31154286, 31722684, 32002278, 31216405, 32246320, 33126500, 34489640, 34298454, 32651081, 33391346, 33327426, 32613771, 33043084, 33258288, 32964447, 25667652, 25457817, 32860008, 33726816, 32237035)